The following is an entry in ClinVar:

ClinVar aggregate classification (germline): Uncertain significance. Review status: criteria provided, multiple submitters, no conflicts (2 of 4 stars). 3 submissions from 3 submitters: Uncertain significance (3). Last evaluated 2023-01-13.

Conditions:
Hereditary breast ovarian cancer syndrome. Also called: Hereditary breast and/or ovarian cancer syndrome; Hereditary breast and ovarian cancer syndrome; Hereditary breast and ovarian cancer; Breast and ovarian cancer; Hereditary breast and ovarian cancer syndrome (HBOC); BRCA1- and BRCA2-Associated Hereditary Breast and Ovarian Cancer. Identifiers: Orphanet 145, MedGen C0677776, MeSH D061325, MONDO:0003582. Disease mechanism: loss of function.

Submissions (3):

Revvity Omics, Revvity
Classification: Uncertain significance. Last evaluated: 2023-01-13. Review status: criteria provided, single submitter. Criteria: ACMG Guidelines, 2015. Collection method: clinical testing. Allele origin: germline.

Labcorp Genetics (formerly Invitae), Labcorp
Classification: Uncertain significance for Hereditary breast ovarian cancer syndrome. Last evaluated: 2021-08-17. Review status: criteria provided, single submitter. Criteria: Invitae Variant Classification Sherloc (09022015). Collection method: clinical testing. Allele origin: germline.
Comment: This sequence change replaces glutamic acid with aspartic acid at codon 2856 of the BRCA2 protein (p.Glu2856Asp). The glutamic acid residue is moderately conserved and there is a small physicochemical difference between glutamic acid and aspartic acid. This variant is not present in population databases (ExAC no frequency). In summary, the available evidence is currently insufficient to determine the role of this variant in disease. Therefore, it has been classified as a Variant of Uncertain Significance. Advanced modeling of protein sequence and biophysical properties (such as structural, functional, and spatial information, amino acid conservation, physicochemical variation, residue mobility, and thermodynamic stability) performed at Invitae indicates that this missense variant is not expected to disrupt BRCA2 protein function. This variant has not been reported in the literature in individuals affected with BRCA2-related conditions.

GeneDx
Classification: Uncertain significance. Last evaluated: 2021-01-29. Review status: criteria provided, single submitter. Criteria: GeneDx Variant Classification Process June 2021. Collection method: clinical testing. Allele origin: germline. Affected: yes.
Comment: Not observed in large population cohorts (Lek 2016); In silico analysis supports that this missense variant does not alter protein structure/function; Has not been previously published as pathogenic or benign to our knowledge; Also known as 8796G>C

NM_000059.4(BRCA2):c.8568G>C (p.Glu2856Asp)

Gene: BRCA2 (BRCA2 DNA repair associated; plus strand). Cytogenetic location: 13q13.1.
Variant type: single nucleotide variant.
Coding change: c.8568G>C on transcript NM_000059.4 (MANE Select); coding-DNA position 8568, G replaced by C.
Protein change: p.Glu2856Asp; replaces glutamic acid 2856 with aspartic acid.
Molecular consequence: missense variant.
Genome position (GRCh38, 1-based): chr13:32,371,036, G>C. VCF-style: chr13-32371036-G-C. GRCh37 (hg19) VCF-style: chr13-32945173-G-C.
Other names: short protein forms E2856D.
Identifiers: ClinVar variation 1320865 (VCV001320865.9), dbSNP rs878853610, ClinGen allele CA387752815.
Genomic context (GRCh38, chr13:32,371,036, plus strand): 5'-TGGATTATACATATTTCGCAATGAAAGAGAGGAAGAAAAGGAAGCAGCAAAATATGTGGA[G>C]GCCCAACAAAAGAGACTAGAAGCCTTATTCACTAAAATTCAGGAGGAATTTGAAGAACAT-3'
Protein context (NP_000050.3, residues 2846-2866): EEEKEAAKYV[Glu2856Asp]AQQKRLEALF